The following is an entry in ClinVar:

ClinVar aggregate classification (germline): Conflicting classifications of pathogenicity. Review status: criteria provided, conflicting classifications (1 of 4 stars). 3 submissions from 3 submitters: Uncertain significance (1); Likely benign (1). 1 of the submissions does not count toward it. Last evaluated 2026-03-18.

Conditions:
Permanent neonatal diabetes mellitus (PNDM). Identifiers: Orphanet 99885, MedGen C1833104, MONDO:0100164, MONDO:0011643. Disease mechanism: gain of function.
Neonatal insulin-dependent diabetes mellitus. Identifiers: MedGen C3278636, HP:0000857.

Allele frequency attached by ClinVar (database versions not stated): gnomAD exomes 0.00005.
gnomAD v4.1: 24 of 640,354 alleles (0.0037%); highest among the groups gnomAD compares: South Asian, 0.048%; no homozygotes.

Submissions (3):

GeneDx
Classification: Uncertain significance. Last evaluated: 2026-03-18. Review status: criteria provided, single submitter. Criteria: GeneDx Variant Classification Process June 2021. Collection method: clinical testing. Allele origin: germline.
Comment: No data available from control populations to assess the frequency of this variant; Located in a regulatory region; in the absence of functional studies, the actual effect of this sequence change is unknown; This variant is associated with the following publications: (PMID: 20133622, 25910213)

Clinical Genomics, Uppaluri K&H Personalized Medicine Clinic
Classification: Likely benign for Neonatal insulin-dependent diabetes mellitus. Review status: criteria provided, single submitter. Criteria: K & H Uppaluri Personalized Medicine Clinic Variant Classification & Assertion Criteria_Updated V.1. Collection method: research. Allele origin: unknown.
Comment: Mutations in INS gene can cause early onset diabetes mellitus which is insulin dependent. May have poor response to sulfonylureas, as this mutation can cause beta cell destruction. However no sufficient evidence is found to ascertain the role of this particular variant rs1554921033, yet.

GeneReviews
No classification provided. Condition: Permanent neonatal diabetes mellitus. Review status: no classification provided. Collection method: literature only. Allele origin: germline. Not counted in ClinVar's aggregate classification.

Literature cited by the submitters: PubMed 11921414 (cited by Clinical Genomics, Uppaluri K&H Personalized Medicine Clinic); PubMed 25542748 (cited by Clinical Genomics, Uppaluri K&H Personalized Medicine Clinic); PubMed 26101329 (cited by Clinical Genomics, Uppaluri K&H Personalized Medicine Clinic); PubMed 18171712 (cited by Clinical Genomics, Uppaluri K&H Personalized Medicine Clinic); PubMed 20133622 (cited by GeneReviews); PubMed 21592955 (cited by GeneReviews); NCBI Bookshelf NBK1447 (cited by GeneReviews).

NM_000207.3(INS):c.-39A>C

Genes: INS (insulin; minus strand), INS-IGF2 (INS-IGF2 readthrough; minus strand). Cytogenetic location: 11p15.5.
Variant type: single nucleotide variant.
Coding change: c.-39A>C on transcript NM_000207.3 (MANE Select); 39 bases upstream of the start codon, A replaced by C.
Molecular consequence: 5 prime UTR variant. On other transcripts: non-coding transcript variant (1).
Genome position (GRCh38, 1-based): chr11:2,161,189, T>G on the plus strand (A>C on the coding strand, the complement: INS is on the minus strand). VCF-style: chr11-2161189-T-G. GRCh37 (hg19) VCF-style: chr11-2182419-T-G.
Other names: c.-218A>C; c.-65A>C (NM_001185097.2); c.-218A>C (NM_001185098.2); c.-99A>C (NM_001291897.2); c.-39A>C (NM_001042376.3).
Identifiers: ClinVar variation 431444 (VCV000431444.4), dbSNP rs1554921033, ClinGen allele CA645372509.